The following is an entry in ClinVar:

ClinVar aggregate classification (germline): Benign (1 of 4 stars; one submission).

Allele frequency attached by ClinVar (database versions not stated): 1000 Genomes Project 0.80424; 1000 Genomes Project 30x 0.80978; TOPMed 0.83851; gnomAD 0.83937.

Submission:

GeneDx
Classification: Benign. Last evaluated: 2018-06-14. Review status: criteria provided, single submitter. Criteria: GeneDx Variant Classification (06012015). Collection method: clinical testing. Allele origin: germline. Affected: yes.
Comment: This variant is considered likely benign or benign based on one or more of the following criteria: it is a conservative change, it occurs at a poorly conserved position in the protein, it is predicted to be benign by multiple in silico algorithms, and/or has population frequency not consistent with disease.

NM_004006.3(DMD):c.9564-210T>C

Gene: DMD (dystrophin; minus strand). Cytogenetic location: Xp21.2.
Variant type: single nucleotide variant.
Coding change: c.9564-210T>C on transcript NM_004006.3 (MANE Select); 210 bases into the intron before coding-DNA position 9564, T replaced by C.
Molecular consequence: intron variant.
Genome position (GRCh38, 1-based): chrX:31,206,877, A>G on the plus strand (T>C on the coding strand, the complement: DMD is on the minus strand). VCF-style: chrX-31206877-A-G. GRCh37 (hg19) VCF-style: chrX-31224994-A-G.
Other names: c.9540-210T>C (NM_000109.4); c.5541-210T>C (NM_004011.4); c.5532-210T>C (NM_004012.4); c.2184-210T>C (NM_004023.3, NM_004020.4, NM_004022.3 and 2 more transcripts); c.1377-210T>C (NM_004014.3); c.360-210T>C (NM_004018.3, NM_004017.3, NM_004016.3 and 2 more transcripts); c.9552-210T>C (NM_004009.3); c.9195-210T>C (NM_004010.3).
Identifiers: ClinVar variation 672561 (VCV000672561.1), dbSNP rs2293666, ClinGen allele CA328407929.
Genomic context (GRCh38, chrX:31,206,877, plus strand): 5'-TTGTTTTGAACTTTTCCAAATTCATTATCTCTTTGACTGATGACCTACAATGCAATGGAA[A>G]TTCAACCAACTTGACCACTGAATGTTTACCAAGTTTCAATTCCTAAAAACCCTTATTTGA-3'